The following is an entry in ClinVar:

ClinVar aggregate classification (germline): Uncertain significance (1 of 4 stars; one submission).

Allele frequency attached by ClinVar (database versions not stated): gnomAD exomes 0.00001.
gnomAD v4.1: 7 of 1,551,336 alleles (0.00045%); highest among the groups gnomAD compares: Non-Finnish European, 0.00061%; no homozygotes.

Submission:

Labcorp Genetics (formerly Invitae), Labcorp
Classification: Uncertain significance. Last evaluated: 2022-07-19. Review status: criteria provided, single submitter. Criteria: Invitae Variant Classification Sherloc (09022015). Collection method: clinical testing. Allele origin: germline.
Comment: This sequence change replaces threonine, which is neutral and polar, with lysine, which is basic and polar, at codon 1618 of the EYS protein (p.Thr1618Lys). This variant is not present in population databases (gnomAD no frequency). This variant has not been reported in the literature in individuals affected with EYS-related conditions. ClinVar contains an entry for this variant (Variation ID: 1398666). Algorithms developed to predict the effect of missense changes on protein structure and function are either unavailable or do not agree on the potential impact of this missense change (SIFT: "Deleterious"; PolyPhen-2: "Benign"; Align-GVGD: "Class C0"). In summary, the available evidence is currently insufficient to determine the role of this variant in disease. Therefore, it has been classified as a Variant of Uncertain Significance.

NM_001142800.2(EYS):c.4853C>A (p.Thr1618Lys)

Gene: EYS (eyes shut homolog; minus strand). Cytogenetic location: 6q12.
Variant type: single nucleotide variant.
Coding change: c.4853C>A on transcript NM_001142800.2 (MANE Select); coding-DNA position 4853, C replaced by A.
Protein change: p.Thr1618Lys; replaces threonine 1618 with lysine.
Molecular consequence: missense variant.
Genome position (GRCh38, 1-based): chr6:64,591,014, G>T on the plus strand (C>A on the coding strand, the complement: EYS is on the minus strand). VCF-style: chr6-64591014-G-T. GRCh37 (hg19) VCF-style: chr6-65300907-G-T.
Other names: c.4853C>A, p.Thr1618Lys (NM_001292009.2); short protein forms T1618K.
Identifiers: ClinVar variation 1398666 (VCV001398666.4), dbSNP rs1380829897, ClinGen allele CA364782393.
Genomic context (GRCh38, chr6:64,591,014, plus strand): 5'-CTTTTTGCACTCTTTTTAGAAGGAAATAAAGATGGCACTTCTGTGAATGCCACTGATGGT[G>T]TTATTTCAGTAGCAGAAGAAAATGAATGCCCAGAAGTGATAGTTTGAGCTCCCATTAGTG-3'
Protein context (NP_001136272.1, residues 1608-1628): GHSFSSATEI[Thr1618Lys]PSVAFTEVPS